The following is an entry in ClinVar:

NM_001211.6(BUB1B):c.1213G>A (p.Ala405Thr)

Gene: BUB1B (BUB1 mitotic checkpoint serine/threonine kinase B; plus strand). Cytogenetic location: 15q15.1.
Variant type: single nucleotide variant.
Coding change: c.1213G>A on transcript NM_001211.6 (MANE Select); coding-DNA position 1213, G replaced by A.
Protein change: p.Ala405Thr; replaces alanine 405 with threonine.
Molecular consequence: missense variant.
Genome position (GRCh38, 1-based): chr15:40,196,699, G>A. VCF-style: chr15-40196699-G-A. GRCh37 (hg19) VCF-style: chr15-40488900-G-A.
Other names: short protein forms A405T.
Identifiers: ClinVar variation 1750983 (VCV001750983.4), dbSNP rs1333792633, ClinGen allele CA391687444.

ClinVar aggregate classification (germline): Uncertain significance. Review status: criteria provided, multiple submitters, no conflicts (2 of 4 stars). 2 submissions from 2 submitters: Uncertain significance (2). Last evaluated 2025-08-24.

Conditions:
Mosaic variegated aneuploidy syndrome 1 (MVA1). Also called: Warburton-Anyane-Yeboa syndrome. Identifiers: Orphanet 1052, MedGen C1850343, MONDO:0009759, OMIM 257300.
Inborn genetic diseases. Identifiers: MedGen C0950123, MeSH D030342.

Allele frequency attached by ClinVar (database versions not stated): TOPMed below 0.00001; gnomAD 0.00001; gnomAD exomes 0.00001.
gnomAD v4.1: 19 of 1,613,950 alleles (0.0012%); highest among the groups gnomAD compares: Non-Finnish European, 0.0016%; no homozygotes.

Submissions (2):

Labcorp Genetics (formerly Invitae), Labcorp
Classification: Uncertain significance for Mosaic variegated aneuploidy syndrome 1. Last evaluated: 2025-08-24. Review status: criteria provided, single submitter. Criteria: Invitae Variant Classification Sherloc (09022015). Collection method: clinical testing. Allele origin: germline.
Comment: This sequence change replaces alanine, which is neutral and non-polar, with threonine, which is neutral and polar, at codon 405 of the BUB1B protein (p.Ala405Thr). This variant is present in population databases (no rsID available, gnomAD 0.0009%). This variant has not been reported in the literature in individuals affected with BUB1B-related conditions. ClinVar contains an entry for this variant (Variation ID: 1750983). An algorithm developed to predict the effect of missense changes on protein structure and function (PolyPhen-2) suggests that this variant is likely to be disruptive. In summary, the available evidence is currently insufficient to determine the role of this variant in disease. Therefore, it has been classified as a Variant of Uncertain Significance.

Ambry Genetics
Classification: Uncertain significance for Inborn genetic diseases. Last evaluated: 2025-08-23. Review status: criteria provided, single submitter. Criteria: Ambry Variant Classification Scheme 2023. Collection method: clinical testing. Allele origin: germline.